The following is an entry in ClinVar:

ClinVar aggregate classification (germline): Uncertain significance (1 of 4 stars; one submission).

Submission:

Labcorp Genetics (formerly Invitae), Labcorp
Classification: Uncertain significance. Last evaluated: 2023-01-11. Review status: criteria provided, single submitter. Criteria: Invitae Variant Classification Sherloc (09022015). Collection method: clinical testing. Allele origin: germline.
Comment: In summary, the available evidence is currently insufficient to determine the role of this variant in disease. Therefore, it has been classified as a Variant of Uncertain Significance. Advanced modeling of protein sequence and biophysical properties (such as structural, functional, and spatial information, amino acid conservation, physicochemical variation, residue mobility, and thermodynamic stability) performed at Invitae indicates that this missense variant is expected to disrupt EMC1 protein function. This variant has not been reported in the literature in individuals affected with EMC1-related conditions. This variant is not present in population databases (gnomAD no frequency). This sequence change replaces tryptophan, which is neutral and slightly polar, with cysteine, which is neutral and slightly polar, at codon 696 of the EMC1 protein (p.Trp696Cys).

NM_015047.3(EMC1):c.2088G>C (p.Trp696Cys)

Genes: EMC1 (ER membrane protein complex subunit 1; minus strand), EMC1-AS1 (EMC1 antisense RNA 1; plus strand). Cytogenetic location: 1p36.13.
Variant type: single nucleotide variant.
Coding change: c.2088G>C on transcript NM_015047.3 (MANE Select); coding-DNA position 2088, G replaced by C.
Protein change: p.Trp696Cys; replaces tryptophan 696 with cysteine.
Molecular consequence: missense variant.
Genome position (GRCh38, 1-based): chr1:19,227,427, C>G on the plus strand (G>C on the coding strand, the complement: EMC1 is on the minus strand). VCF-style: chr1-19227427-C-G. GRCh37 (hg19) VCF-style: chr1-19553921-C-G.
Other names: c.2085G>C, p.Trp695Cys (NM_001271427.2, NM_001271428.2); c.2022G>C, p.Trp674Cys (NM_001271429.2); c.2097G>C, p.Trp699Cys (NM_001375820.1); c.2094G>C, p.Trp698Cys (NM_001375821.1); short protein forms W674C, W696C, W698C, W695C, W699C.
Identifiers: ClinVar variation 2818101 (VCV002818101.3), dbSNP rs2536697540, ClinGen allele CA338757175.